The following is an entry in ClinVar:

ClinVar aggregate classification (germline): Uncertain significance (1 of 4 stars; one submission).

Submission:

Women's Health and Genetics/Laboratory Corporation of America, LabCorp
Classification: Uncertain significance. Last evaluated: 2025-02-14. Review status: criteria provided, single submitter. Criteria: LabCorp Variant Classification Summary - May 2015. Collection method: clinical testing. Allele origin: germline.
Comment: Variant summary: TTN c.1243G>A (p.Glu415Lys) results in a conservative amino acid change located in the I-band of the encoded protein sequence. Five of five in-silico tools predict a benign effect of the variant on protein function. The variant was absent in 240434 control chromosomes. The available data on variant occurrences in the general population are insufficient to allow any conclusion about variant significance. To our knowledge, no occurrence of c.1243G>A in individuals affected with Autosomal Recessive Titinopathy and no experimental evidence demonstrating its impact on protein function have been reported. No submitters have cited clinical-significance assessments for this variant to ClinVar. Based on the evidence outlined above, the variant was classified as uncertain significance.

NM_001267550.2(TTN):c.1243G>A (p.Glu415Lys)

Gene: TTN (titin; minus strand). Cytogenetic location: 2q31.2.
Variant type: single nucleotide variant.
Coding change: c.1243G>A on transcript NM_001267550.2 (MANE Select); coding-DNA position 1243, G replaced by A.
Protein change: p.Glu415Lys; replaces glutamic acid 415 with lysine.
Molecular consequence: missense variant.
Genome position (GRCh38, 1-based): chr2:178,794,924, C>T on the plus strand (G>A on the coding strand, the complement: TTN is on the minus strand). VCF-style: chr2-178794924-C-T. GRCh37 (hg19) VCF-style: chr2-179659651-C-T.
Other names: c.1243G>A, p.Glu415Lys (NM_001256850.1, NM_003319.4, NM_133378.4 and 3 more transcripts); short protein forms E415K.
Identifiers: ClinVar variation 3769043 (VCV003769043.1).